The following is an entry in ClinVar:

ClinVar aggregate classification (germline): Likely benign. Review status: criteria provided, single submitter (1 of 4 stars). 2 submissions from 2 submitters: Likely benign (1). 1 of the submissions does not count toward it. Last evaluated 2024-07-29.

Conditions:
Rubinstein-Taybi syndrome due to EP300 haploinsufficiency. Also called: EP300-Related Rubinstein-Taybi Syndrome; RUBINSTEIN-TAYBI SYNDROME 2. Identifiers: Orphanet 353284, Orphanet 783, MedGen C3150941, MONDO:0013364, OMIM 613684.
EP300-related disorder. Also called: EP300-related condition; EP300-related disorders.

Allele frequency attached by ClinVar (database versions not stated): gnomAD exomes below 0.00001; gnomAD 0.00002; TOPMed 0.00002.

Submissions (2):

Labcorp Genetics (formerly Invitae), Labcorp
Classification: Likely benign for Rubinstein-Taybi syndrome due to EP300 haploinsufficiency. Last evaluated: 2024-07-29. Review status: criteria provided, single submitter. Criteria: Invitae Variant Classification Sherloc (09022015). Collection method: clinical testing. Allele origin: germline.

PreventionGenetics, part of Exact Sciences
Classification: Likely benign for EP300-related condition. Last evaluated: 2023-03-06. Review status: no assertion criteria provided. Collection method: clinical testing. Allele origin: germline. Not counted in ClinVar's aggregate classification.
Comment: This variant is classified as likely benign based on ACMG/AMP sequence variant interpretation guidelines (Richards et al. 2015 PMID: 25741868, with internal and published modifications).

NM_001429.4(EP300):c.4623C>T (p.Thr1541=)

Gene: EP300 (EP300 lysine acetyltransferase; plus strand). Cytogenetic location: 22q13.2.
Variant type: single nucleotide variant.
Coding change: c.4623C>T on transcript NM_001429.4 (MANE Select); coding-DNA position 4623, C replaced by T.
Protein change: p.Thr1541=; no amino-acid change (threonine 1541 retained).
Molecular consequence: synonymous variant.
Genome position (GRCh38, 1-based): chr22:41,173,628, C>T. VCF-style: chr22-41173628-C-T. GRCh37 (hg19) VCF-style: chr22-41569632-C-T.
Other names: c.4545C>T, p.Thr1515= (NM_001362843.2).
Identifiers: ClinVar variation 3045273 (VCV003045273.4), dbSNP rs1458645380, ClinGen allele CA514650626.